The following is an entry in ClinVar:

ClinVar aggregate classification (germline): Likely benign (1 of 4 stars; one submission).

Conditions:
MKI67-related disorder. Also called: MKI67-related condition.

Submission:

PreventionGenetics, part of Exact Sciences
Classification: Likely benign for MKI67-related condition. Last evaluated: 2026-04-02. Review status: criteria provided, single submitter. Criteria: ACMG Guidelines, 2015. Collection method: clinical testing. Allele origin: germline.
Comment: This variant is classified as likely benign based on ACMG/AMP sequence variant interpretation guidelines (Richards et al. 2015 PMID: 25741868, with internal and published modifications).

NM_002417.5(MKI67):c.933A>G (p.Gln311=)

Gene: MKI67 (marker of proliferation Ki-67; minus strand). Cytogenetic location: 10q26.2.
Variant type: single nucleotide variant.
Coding change: c.933A>G on transcript NM_002417.5 (MANE Select); coding-DNA position 933, A replaced by G.
Protein change: p.Gln311=; no amino-acid change (glutamine 311 retained).
Molecular consequence: synonymous variant. On other transcripts: intron variant (1).
Genome position (GRCh38, 1-based): chr10:128,115,475, T>C on the plus strand (A>G on the coding strand, the complement: MKI67 is on the minus strand). VCF-style: chr10-128115475-T-C. GRCh37 (hg19) VCF-style: chr10-129913739-T-C.
Other names: c.400+1016A>G (NM_001145966.2).
Identifiers: ClinVar variation 4988922 (VCV004988922.1).